The following is an entry in ClinVar:

ClinVar aggregate classification (germline): Conflicting classifications of pathogenicity. Review status: criteria provided, conflicting classifications (1 of 4 stars). 7 submissions from 7 submitters: Likely pathogenic (1); Uncertain significance (5). 1 of the submissions does not count toward it. Last evaluated 2026-06-05.

Conditions:
Polycystic kidney disease 4 (PKD4). Also called: POLYCYSTIC KIDNEY AND HEPATIC DISEASE 1; POLYCYSTIC KIDNEY DISEASE, INFANTILE, TYPE I; POLYCYSTIC KIDNEY DISEASE 4 WITH OR WITHOUT POLYCYSTIC LIVER DISEASE; PKD3; Autosomal Recessive Polycystic Kidney Disease – PKHD1. Identifiers: MedGen C4540575, MONDO:0033004, OMIM 263200.

Allele frequency attached by ClinVar (database versions not stated): gnomAD exomes below 0.00001; TOPMed 0.00001; gnomAD 0.00003.
gnomAD v4.1: 8 of 1,613,920 alleles (0.0005%); highest among the groups gnomAD compares: Middle Eastern, 0.016%; no homozygotes.

Submissions (7):

Myriad Genetics, Inc.
Classification: Uncertain significance for Polycystic kidney disease 4. Last evaluated: 2026-06-05. Review status: criteria provided, single submitter. Criteria: Myriad Autosomal Dominant, Autosomal Recessive and X-Linked Classification Criteria (2023). Collection method: clinical testing. Allele origin: unknown.
Comment: NM_138694.3(PKHD1):c.9524A>G(N3175S) is a missense variant classified as a variant of uncertain significance in the context of autosomal recessive polycystic kidney disease, PKHD1-related. N3175S has been observed in cases with relevant disease (PMID: 12874454, 30595564, Wasserman_2019_(article)). Relevant functional assessments of this variant are not available in the literature. N3175S has not been observed in referenced population frequency databases. In summary, there is insufficient evidence to classify NM_138694.3(PKHD1):c.9524A>G(N3175S) as pathogenic or benign. Please note: this variant was assessed in the context of healthy population screening.

Genomic Medicine Center of Excellence, King Faisal Specialist Hospital and Research Centre
Classification: Uncertain significance for Polycystic kidney disease 4. Last evaluated: 2025-09-10. Review status: criteria provided, single submitter. Criteria: ACMG Guidelines, 2015. Collection method: clinical testing. Allele origin: germline.

CeGaT Center for Human Genetics Tuebingen
Classification: Likely pathogenic. Last evaluated: 2025-03-01. Review status: criteria provided, single submitter. Criteria: CeGaT Center For Human Genetics Tuebingen Variant Classification Criteria Version 2. Collection method: clinical testing. Allele origin: germline. Affected: yes. Observed: 1 variant allele.
Comment: PKHD1: PM1, PM2, PM3

Women's Health and Genetics/Laboratory Corporation of America, LabCorp
Classification: Uncertain significance. Last evaluated: 2024-06-13. Review status: criteria provided, single submitter. Criteria: LabCorp Variant Classification Summary - May 2015. Collection method: clinical testing. Allele origin: germline.
Comment: Variant summary: PKHD1 c.9524A>G (p.Asn3175Ser) results in a conservative amino acid change in the encoded protein sequence. Four of five in-silico tools predict a damaging effect of the variant on protein function. The variant was absent in 250864 control chromosomes (gnomAD). The available data on variant occurrences in the general population are insufficient to allow any conclusion about variant significance. c.9524A>G has been reported in the literature in individual affected with Polycystic Kidney And Hepatic Disease (Furu_2003). These data do not allow any conclusion about variant significance. To our knowledge, no experimental evidence demonstrating an impact on protein function has been reported. The following publication has been ascertained in the context of this evaluation (PMID: 12874454). ClinVar contains an entry for this variant (Variation ID: 550173). Based on the evidence outlined above, the variant was classified as uncertain significance.

GeneDx
Classification: Uncertain significance. Last evaluated: 2023-05-30. Review status: criteria provided, single submitter. Criteria: GeneDx Variant Classification Process June 2021. Collection method: clinical testing. Allele origin: germline. Affected: yes.
Comment: Observed in the heterozygous state in an individual with childhood-onset nephromegaly and systemic hypertension in published literature (Furu et al., 2003); Reported in heterozygous parents of child with autosomal recessive polycystic kidney disease in unrelated families in published literature (Bitarafan et al., 2018); however, genetic testing was never performed on the affected children; In silico analysis supports that this missense variant has a deleterious effect on protein structure/function; This variant is associated with the following publications: (PMID: 30595564, 12874454)

Genome-Nilou Lab
Classification: Uncertain significance for Polycystic kidney disease 4. Last evaluated: 2021-07-22. Review status: criteria provided, single submitter. Criteria: ACMG Guidelines, 2015. Collection method: clinical testing. Allele origin: germline. Affected: no.

Counsyl
Classification: Uncertain significance for Polycystic kidney disease 4. Last evaluated: 2016-12-21. Review status: no assertion criteria provided. Collection method: clinical testing. Allele origin: unknown. Not counted in ClinVar's aggregate classification.

Literature cited by the submitters: PubMed 12874454 (cited by Women's Health and Genetics/Laboratory Corporation of America, LabCorp and Counsyl).

NM_138694.4(PKHD1):c.9524A>G (p.Asn3175Ser)

Gene: PKHD1 (PKHD1 ciliary IPT domain containing fibrocystin/polyductin; minus strand). Cytogenetic location: 6p12.3.
Variant type: single nucleotide variant.
Coding change: c.9524A>G on transcript NM_138694.4 (MANE Select); coding-DNA position 9524, A replaced by G.
Protein change: p.Asn3175Ser; replaces asparagine 3175 with serine.
Molecular consequence: missense variant.
Genome position (GRCh38, 1-based): chr6:51,748,092, T>C on the plus strand (A>G on the coding strand, the complement: PKHD1 is on the minus strand). VCF-style: chr6-51748092-T-C. GRCh37 (hg19) VCF-style: chr6-51612890-T-C.
Other names: c.9524A>G, p.Asn3175Ser (NM_170724.3); short protein forms N3175S.
Identifiers: ClinVar variation 550173 (VCV000550173.16), dbSNP rs1343246818, ClinGen allele CA364420872.